The following is an entry in ClinVar:

ClinVar aggregate classification (germline): Uncertain significance. Review status: criteria provided, multiple submitters, no conflicts (2 of 4 stars). 2 submissions from 2 submitters: Uncertain significance (2). Last evaluated 2023-01-19.

Conditions:
Bethlem myopathy 2 (BTHLM2). Identifiers: Orphanet 536516, Orphanet 610, MedGen C4225313, MONDO:0034022, OMIM 616471.
Ullrich congenital muscular dystrophy 2 (UCMD2). Identifiers: Orphanet 75840, MedGen C4225314, MONDO:0014654, OMIM 616470.

Allele frequency attached by ClinVar (database versions not stated): ExAC 0.00001; gnomAD exomes 0.00001.
gnomAD v4.1: 3 of 1,593,458 alleles (0.00019%); highest among the groups gnomAD compares: Non-Finnish European, 0.00026%; no homozygotes.

Submissions (2):

Labcorp Genetics (formerly Invitae), Labcorp
Classification: Uncertain significance for Bethlem myopathy 2; Ullrich congenital muscular dystrophy 2. Last evaluated: 2023-01-19. Review status: criteria provided, single submitter. Criteria: Invitae Variant Classification Sherloc (09022015). Collection method: clinical testing. Allele origin: germline.
Comment: In summary, the available evidence is currently insufficient to determine the role of this variant in disease. Therefore, it has been classified as a Variant of Uncertain Significance. Advanced modeling of protein sequence and biophysical properties (such as structural, functional, and spatial information, amino acid conservation, physicochemical variation, residue mobility, and thermodynamic stability) has been performed at Invitae for this missense variant, however the output from this modeling did not meet the statistical confidence thresholds required to predict the impact of this variant on COL12A1 protein function. This variant has not been reported in the literature in individuals affected with COL12A1-related conditions. This variant is present in population databases (rs746620811, gnomAD 0.001%). This sequence change replaces serine, which is neutral and polar, with cysteine, which is neutral and slightly polar, at codon 1085 of the COL12A1 protein (p.Ser1085Cys).

Revvity Omics, Revvity
Classification: Uncertain significance. Last evaluated: 2021-05-24. Review status: criteria provided, single submitter. Criteria: ACMG Guidelines, 2015. Collection method: clinical testing. Allele origin: germline.

NM_004370.6(COL12A1):c.3254C>G (p.Ser1085Cys)

Gene: COL12A1 (collagen type XII alpha 1 chain; minus strand). Cytogenetic location: 6q13.
Variant type: single nucleotide variant.
Coding change: c.3254C>G on transcript NM_004370.6 (MANE Select); coding-DNA position 3254, C replaced by G.
Protein change: p.Ser1085Cys; replaces serine 1085 with cysteine.
Molecular consequence: missense variant. On other transcripts: intron variant (1).
Genome position (GRCh38, 1-based): chr6:75,155,851, G>C on the plus strand (C>G on the coding strand, the complement: COL12A1 is on the minus strand). VCF-style: chr6-75155851-G-C. GRCh37 (hg19) VCF-style: chr6-75865567-G-C.
Other names: c.74-3369C>G (NM_080645.3); short protein forms S1085C.
Identifiers: ClinVar variation 2440255 (VCV002440255.6), dbSNP rs746620811, ClinGen allele CA3893764.